The following is an entry in ClinVar:

ClinVar aggregate classification (germline): Uncertain significance (1 of 4 stars; one submission).

Conditions:
Noonan syndrome 9 (NS9). Identifiers: Orphanet 648, MedGen C4225282, MONDO:0014691, OMIM 616559.

Submission:

Labcorp Genetics (formerly Invitae), Labcorp
Classification: Uncertain significance for Noonan syndrome 9. Last evaluated: 2022-12-06. Review status: criteria provided, single submitter. Criteria: Invitae Variant Classification Sherloc (09022015). Collection method: clinical testing. Allele origin: germline.
Comment: In summary, the available evidence is currently insufficient to determine the role of this variant in disease. Therefore, it has been classified as a Variant of Uncertain Significance. Experimental studies and prediction algorithms are not available or were not evaluated, and the functional significance of this variant is currently unknown. This variant has not been reported in the literature in individuals affected with SOS2-related conditions. This variant is a gross deletion of the genomic region encompassing exon(s) 23 of the SOS2 gene, which includes the termination codon. This deletion extends beyond the assayed region for this gene and therefore may encompass additional genes. While this deletion is not anticipated to lead to nonsense mediated decay, it is expected to alter mRNA translation or result in a truncated protein product.

NC_000014.8:g.(?_50585062)_(50585591_?)del

Gene: SOS2 (SOS Ras/Rho guanine nucleotide exchange factor 2; minus strand). Cytogenetic location: 14q21.3.
Variant type: Deletion.
Identifiers: ClinVar variation 2425671 (VCV002425671.4).